The following is an entry in ClinVar:

NM_000368.5(TSC1):c.1256C>T (p.Pro419Leu)

Gene: TSC1 (TSC complex subunit 1; minus strand). Cytogenetic location: 9q34.13.
Variant type: single nucleotide variant.
Coding change: c.1256C>T on transcript NM_000368.5 (MANE Select); coding-DNA position 1256, C replaced by T.
Protein change: p.Pro419Leu; replaces proline 419 with leucine.
Molecular consequence: missense variant.
Genome position (GRCh38, 1-based): chr9:132,910,578, G>A on the plus strand (C>T on the coding strand, the complement: TSC1 is on the minus strand). VCF-style: chr9-132910578-G-A. GRCh37 (hg19) VCF-style: chr9-135785965-G-A.
Other names: c.1253C>T, p.Pro418Leu (NM_001162426.2); c.1103C>T, p.Pro368Leu (NM_001162427.2); c.893C>T, p.Pro298Leu (NM_001362177.2); short protein forms P368L, P298L, P419L, P418L.
Identifiers: ClinVar variation 1424931 (VCV001424931.14), dbSNP rs878853959, ClinGen allele CA375366738.

ClinVar aggregate classification (germline): Uncertain significance. Review status: criteria provided, multiple submitters, no conflicts (2 of 4 stars). 5 submissions from 5 submitters: Uncertain significance (5). Last evaluated 2025-11-03.

Conditions:
Tuberous sclerosis 1 (TSC1). Identifiers: Orphanet 805, MedGen C1854465, MONDO:0008612, OMIM 191100.
Hereditary cancer-predisposing syndrome. Also called: Hereditary neoplastic syndrome; Tumor predisposition; Hereditary Cancer Syndrome; Neoplastic Syndromes, Hereditary. Identifiers: Orphanet 140162, MedGen C0027672, MeSH D009386, MONDO:0015356.
Tuberous sclerosis syndrome (TSC). Also called: Tuberous Sclerosis Complex; Tuberous sclerosis. Identifiers: Orphanet 805, MedGen C0041341, MONDO:0001734.

gnomAD v4.1: 1 of 1,614,060 alleles (0.000062%); highest among the groups gnomAD compares: Non-Finnish European, 0.000085%; no homozygotes.

Submissions (5):

Labcorp Genetics (formerly Invitae), Labcorp
Classification: Uncertain significance for Tuberous sclerosis 1. Last evaluated: 2025-11-03. Review status: criteria provided, single submitter. Criteria: Invitae Variant Classification Sherloc (09022015). Collection method: clinical testing. Allele origin: germline.
Comment: This sequence change replaces proline, which is neutral and non-polar, with leucine, which is neutral and non-polar, at codon 419 of the TSC1 protein (p.Pro419Leu). This variant is not present in population databases (gnomAD no frequency). This variant has not been reported in the literature in individuals affected with TSC1-related conditions. ClinVar contains an entry for this variant (Variation ID: 1424931). Invitae Evidence Modeling of protein sequence and biophysical properties (such as structural, functional, and spatial information, amino acid conservation, physicochemical variation, residue mobility, and thermodynamic stability) indicates that this missense variant is not expected to disrupt TSC1 protein function with a negative predictive value of 95%. In summary, the available evidence is currently insufficient to determine the role of this variant in disease. Therefore, it has been classified as a Variant of Uncertain Significance.

Color Diagnostics, LLC DBA Color Health
Classification: Uncertain significance for Tuberous sclerosis syndrome. Last evaluated: 2025-06-29. Review status: criteria provided, single submitter. Criteria: ACMG Guidelines, 2015. Collection method: clinical testing. Allele origin: germline.
Comment: This missense variant replaces proline with leucine at codon 419 of the TSC1 protein. Computational prediction suggests that this variant may not impact protein structure and function. To our knowledge, functional studies have not been reported for this variant. This variant has not been reported in individuals affected with TSC1-related disorders in the literature. This variant has not been identified in the general population by the Genome Aggregation Database (gnomAD). The available evidence is insufficient to determine the role of this variant in disease conclusively. Therefore, this variant is classified as a Variant of Uncertain Significance.

GeneDx
Classification: Uncertain significance. Last evaluated: 2025-04-23. Review status: criteria provided, single submitter. Criteria: GeneDx Variant Classification Process June 2021. Collection method: clinical testing. Allele origin: germline. Affected: yes.
Comment: Not observed at significant frequency in large population cohorts (gnomAD); In silico analysis indicates that this missense variant does not alter protein structure/function; Has not been previously published as pathogenic or benign to our knowledge; This variant is associated with the following publications: (PMID: 18466115)

Ambry Genetics
Classification: Uncertain significance for Hereditary cancer-predisposing syndrome. Last evaluated: 2024-03-22. Review status: criteria provided, single submitter. Criteria: Ambry Variant Classification Scheme 2023. Collection method: clinical testing. Allele origin: germline.
Comment: The p.P419L variant (also known as c.1256C>T), located in coding exon 10 of the TSC1 gene, results from a C to T substitution at nucleotide position 1256. The proline at codon 419 is replaced by leucine, an amino acid with similar properties. This amino acid position is not well conserved in available vertebrate species. In addition, this alteration is predicted to be tolerated by in silico analysis. Since supporting evidence is limited at this time, the clinical significance of this alteration remains unclear.

All of Us Research Program, National Institutes of Health
Classification: Uncertain significance for Tuberous sclerosis syndrome. Last evaluated: 2023-06-08. Review status: criteria provided, single submitter. Criteria: ACMG Guidelines, 2015. Collection method: clinical testing. Allele origin: germline. Inheritance: Autosomal dominant inheritance. Observed: 1 variant allele, 1 heterozygote.
Comment: This missense variant replaces proline with leucine at codon 419 of the TSC1 protein. Computational prediction suggests that this variant may not impact protein structure and function (internally defined REVEL score threshold <= 0.5, PMID: 27666373). To our knowledge, functional studies have not been reported for this variant. This variant has not been reported in individuals affected with TSC1-related disorders in the literature. This variant has not been identified in the general population by the Genome Aggregation Database (gnomAD). The available evidence is insufficient to determine the role of this variant in disease conclusively. Therefore, this variant is classified as a Variant of Uncertain Significance.

This study involves interpretation of variants in research participants for the purpose of population health screening. Participant phenotype was not available at the time of variant classification. Additional details can be found in publication PMID: 35346344, PMCID: PMC8962531